The following is an entry in ClinVar:

NM_006267.5(RANBP2):c.7790T>G (p.Phe2597Cys)

Gene: RANBP2 (RAN binding protein 2; plus strand). Cytogenetic location: 2q13.
Variant type: single nucleotide variant.
Coding change: c.7790T>G on transcript NM_006267.5 (MANE Select); coding-DNA position 7790, T replaced by G.
Protein change: p.Phe2597Cys; replaces phenylalanine 2597 with cysteine.
Molecular consequence: missense variant.
Genome position (GRCh38, 1-based): chr2:108,768,329, T>G. VCF-style: chr2-108768329-T-G. GRCh37 (hg19) VCF-style: chr2-109384785-T-G.
Other names: c.7790T>G, p.Phe2597Cys (NM_001415871.1, NM_001415873.1); c.7787T>G, p.Phe2596Cys (NM_001415872.1); short protein forms F2596C, F2597C.
Identifiers: ClinVar variation 4808761 (VCV004808761.1).

ClinVar aggregate classification (germline): Uncertain significance (1 of 4 stars; one submission).

Conditions:
Familial acute necrotizing encephalopathy (IIAE3). Also called: ENCEPHALOPATHY, ACUTE, INFECTION-INDUCED, SUSCEPTIBILITY TO, 3; Susceptibility to Acute Necrotizing Encephalopathy 1. Identifiers: Orphanet 88619, MedGen C2675556, MONDO:0011953, OMIM 608033.

gnomAD v4.1: 10 of 1,610,854 alleles (0.00062%); highest among the groups gnomAD compares: African/African-American, 0.004%; no homozygotes.

Submission:

Labcorp Genetics (formerly Invitae), Labcorp
Classification: Uncertain significance for Familial acute necrotizing encephalopathy. Last evaluated: 2026-01-19. Review status: criteria provided, single submitter. Criteria: Invitae Variant Classification Sherloc (09022015). Collection method: clinical testing. Allele origin: germline.
Comment: This sequence change replaces phenylalanine, which is neutral and non-polar, with cysteine, which is neutral and slightly polar, at codon 2597 of the RANBP2 protein (p.Phe2597Cys). This variant is present in population databases (rs766348909, gnomAD 0.01%). This variant has not been reported in the literature in individuals affected with RANBP2-related conditions. Invitae Evidence Modeling of protein sequence and biophysical properties (such as structural, functional, and spatial information, amino acid conservation, physicochemical variation, residue mobility, and thermodynamic stability) indicates that this missense variant is not expected to disrupt RANBP2 protein function with a negative predictive value of 80%. In summary, the available evidence is currently insufficient to determine the role of this variant in disease. Therefore, it has been classified as a Variant of Uncertain Significance.